The following is an entry in ClinVar:

ClinVar aggregate classification (germline): Uncertain significance. Review status: criteria provided, single submitter (1 of 4 stars). 2 submissions from 2 submitters: Uncertain significance (1). 1 of the submissions does not count toward it. Last evaluated 2024-05-07.

Conditions:
PALLD-related disorder. Also called: PALLD-related condition.

Allele frequency attached by ClinVar (database versions not stated): gnomAD exomes 0.00001.
gnomAD v4.1: 6 of 1,604,298 alleles (0.00037%); highest among the groups gnomAD compares: Non-Finnish European, 0.00051%; no homozygotes.

Submissions (2):

Ambry Genetics
Classification: Uncertain significance. Last evaluated: 2024-05-07. Review status: criteria provided, single submitter. Criteria: Ambry Variant Classification Scheme 2023. Collection method: clinical testing. Allele origin: germline.
Comment: The p.A380V variant (also known as c.1139C>T), located in coding exon 3 of the PALLD gene, results from a C to T substitution at nucleotide position 1139. The alanine at codon 380 is replaced by valine, an amino acid with similar properties. This amino acid position is conserved. In addition, this alteration is predicted to be tolerated by in silico analysis. Since supporting evidence is limited at this time, the clinical significance of this alteration remains unclear.

PreventionGenetics, part of Exact Sciences
Classification: Uncertain significance for PALLD-related condition. Last evaluated: 2024-08-28. Review status: no assertion criteria provided. Collection method: clinical testing. Allele origin: germline. Not counted in ClinVar's aggregate classification.
Comment: The PALLD c.1139C>T variant is predicted to result in the amino acid substitution p.Ala380Val. To our knowledge, this variant has not been reported in the literature or in gnomAD, indicating this variant is rare. This variant is classified as a variant of uncertain significance in ClinVar. At this time, the clinical significance of this variant is uncertain due to the absence of conclusive functional and genetic evidence.

NM_001166108.2(PALLD):c.1139C>T (p.Ala380Val)

Gene: PALLD (palladin, cytoskeletal associated protein; plus strand). Cytogenetic location: 4q32.3.
Variant type: single nucleotide variant.
Coding change: c.1139C>T on transcript NM_001166108.2 (MANE Select); coding-DNA position 1139, C replaced by T.
Protein change: p.Ala380Val; replaces alanine 380 with valine.
Molecular consequence: missense variant. On other transcripts: 5 prime UTR variant (1).
Genome position (GRCh38, 1-based): chr4:168,681,383, C>T. VCF-style: chr4-168681383-C-T. GRCh37 (hg19) VCF-style: chr4-169602534-C-T.
Other names: c.-8C>T (NM_001166109.2); c.1139C>T, p.Ala380Val (NM_016081.4); short protein forms A380V.
Identifiers: ClinVar variation 1730582 (VCV001730582.4), dbSNP rs1580934238, ClinGen allele CA358794096.
Genomic context (GRCh38, chr4:168,681,383, plus strand): 5'-CTTTCCCAGGTGCCAGTTCAACAGATTCTGACAGTGAAAGTTTAGCTTTCAAATCAAGAG[C>T]TGGAGCTATGCCACAGTAAGTGCCTACAATTCCATCGATTATGTGGAAACAAAGAATGGC-3'
Protein context (NP_001159580.1, residues 370-390): DSESLAFKSR[Ala380Val]GAMPQAQKKT